The following is an entry in ClinVar:

ClinVar aggregate classification (germline): Likely pathogenic. Review status: reviewed by expert panel (3 of 4 stars). 11 submissions from 11 submitters: Likely pathogenic (1). 10 of the submissions do not count toward it. Last evaluated 2026-01-04.

Conditions:
BRCA2-related cancer predisposition. Identifiers: MedGen CN377758, MONDO:0700269.
Hereditary cancer-predisposing syndrome. Also called: Tumor predisposition; Neoplastic Syndromes, Hereditary; Hereditary Cancer Syndrome; Hereditary neoplastic syndrome. Identifiers: Orphanet 140162, MedGen C0027672, MeSH D009386, MONDO:0015356.
Hereditary breast ovarian cancer syndrome. Also called: Breast and ovarian cancer; Hereditary breast and/or ovarian cancer syndrome; Hereditary breast and ovarian cancer syndrome; Hereditary breast and ovarian cancer; Hereditary breast and ovarian cancer syndrome (HBOC); BRCA1- and BRCA2-Associated Hereditary Breast and Ovarian Cancer. Identifiers: Orphanet 145, MedGen C0677776, MeSH D061325, MONDO:0003582. Disease mechanism: loss of function.
Breast-ovarian cancer, familial, susceptibility to, 2 (BROVCA2). Also called: BRCA2 Hereditary Breast and Ovarian Cancer. Identifiers: Orphanet 145, MedGen C2675520, MONDO:0012933, OMIM 612555. Disease mechanism: loss of function.
Familial cancer of breast. Also called: BREAST CANCER, FAMILIAL; Hereditary breast cancer; hereditary breast carcinoma. Identifiers: Orphanet 227535, MedGen C0346153, MONDO:0016419, OMIM 114480. Disease mechanism: loss of function.

Allele frequency attached by ClinVar (database versions not stated): TOPMed below 0.00001; gnomAD 0.00002 and 0.00003; ESP Exome Variant Server 0.00008.
gnomAD v4.1: 5 of 1,613,962 alleles (0.00031%); highest among the groups gnomAD compares: African/African-American, 0.0067%; no homozygotes.

Submissions 1 to 8 of 11:

ClinGen ENIGMA BRCA1 and BRCA2 Variant Curation Expert Panel, ClinGen
Classification: Likely pathogenic for BRCA2-related cancer predisposition. Last evaluated: 2026-01-04. Review status: reviewed by expert panel. Criteria: CSpec BRCA12ACMG Rules Specifications V1.1. Collection method: curation. Allele origin: germline. Inheritance: Autosomal dominant inheritance.
Comment: The c.8188G>C variant in BRCA2 is a missense variant predicted to cause substitution of Alanine by Proline at amino acid 2730 (p.(Ala2730Pro)). The highest non-founder population filter allele frequency in gnomAD v4.1 (read depth ≥20) is 0.00002550 in the African/African American population which is within the ENIGMA BRCA1/2 VCEP threshold (>0.00002 to ≤ 0.0001) for BS1_Supporting (BS1_Supporting met). Reported by three calibrated studies to exhibit protein function similar to pathogenic control variants (PMIDs:38417439, 39779857, 39779848) (PS3 met). This BRCA2 missense variant is within a key functional domain and the computational predictor BayesDel (noAF) gives a score of 0.38, above the recommended threshold of 0.30 for prediction of impact on BRCA2 function via protein change. A SpliceAI score of 0 predicts no impact on splicing (score threshold <0.10) (PP3 met). Multifactorial likelihood ratio analysis using clinically calibrated data produced a combined LR for this variant of 18.13 (based on Family History LR=18.13), within the thresholds for moderate evidence towards pathogenicity (LR >4.3 & ≤18.7) (PP4_Moderate met; PMID: 31853058). In summary, this variant meets the criteria to be classified as a Likely pathogenic variant for BRCA2-related cancer predisposition based on the ACMG/AMP criteria applied as specified by the ENIGMA BRCA1/2 VCEP (BS1_Supporting, PS3, PP3, PP4_Moderate).

GeneDx
Classification: Likely pathogenic. Last evaluated: 2026-10-02. Review status: criteria provided, single submitter. Criteria: GeneDx Variant Classification Process June 2021. Collection method: clinical testing. Allele origin: germline. Not counted in ClinVar's aggregate classification.
Comment: In silico analysis suggests that this missense variant does not alter protein structure/function; Also known as 8416G>C; This variant is associated with the following publications: (PMID: 19043619, 33609447, 31853058, 29398457, 25186627, 32377563, 28888541, 29884841, 35980532, 35665744, 32886903, 38623065, 35736817, 12228710, 39779857, 38417439, 39779848, 40905821)

Labcorp Genetics (formerly Invitae), Labcorp
Classification: Likely pathogenic for Hereditary breast ovarian cancer syndrome. Last evaluated: 2025-10-25. Review status: criteria provided, single submitter. Criteria: Invitae Variant Classification Sherloc (09022015). Collection method: clinical testing. Allele origin: germline. Not counted in ClinVar's aggregate classification.
Comment: This sequence change replaces alanine, which is neutral and non-polar, with proline, which is neutral and non-polar, at codon 2730 of the BRCA2 protein (p.Ala2730Pro). The frequency data for this variant in the population databases is considered unreliable, as metrics indicate poor data quality at this position in the gnomAD database. This missense change has been observed in individual(s) with breast cancer, ovarian cancer, and prostate cancer (PMID: 25186627, 28888541, 31853058, 32886903, 35980532; internal data). It has also been observed to segregate with disease in related individuals. ClinVar contains an entry for this variant (Variation ID: 126168). Invitae Evidence Modeling incorporating data from in vitro experimental studies (PMID: 33609447) indicates that this missense variant is expected to disrupt BRCA2 function with a positive predictive value of 95%. Experimental studies have shown that this missense change affects BRCA2 function (PMID: 29884841, 33609447). In summary, the currently available evidence indicates that the variant is pathogenic, but additional data are needed to prove that conclusively. Therefore, this variant has been classified as Likely Pathogenic.

Color Diagnostics, LLC DBA Color Health
Classification: Likely pathogenic for Hereditary cancer-predisposing syndrome. Last evaluated: 2025-10-09. Review status: criteria provided, single submitter. Criteria: ACMG Guidelines, 2015. Collection method: clinical testing. Allele origin: germline. Not counted in ClinVar's aggregate classification.
Comment: This missense variant replaces alanine with proline at codon 2730 in the DNA binding/OB tower domain of the BRCA2 protein. Computational prediction suggests that this variant may have deleterious impact on protein structure and function. Functional studies have shown that this variant results in significantly reduced homology-directed repair activity of the BRCA2 protein (PMID: 29884841, 33609447, 35736817, 38417439, 39779857, 39779848). This variant has been reported in individuals affected with breast and prostate cancer (PMID: 25186627, 29398457, 32886903). A multifactorial analysis has reported a likelihood ratio based on personal and family history of 18.131 from log(LR)=1.258429408 (PMID: 31853058). This variant has been identified in 2/31394 chromosomes in the general population by the Genome Aggregation Database (gnomAD). Based on the available evidence, this variant is classified as Likely Pathogenic.

Ambry Genetics
Classification: Likely pathogenic for Hereditary cancer-predisposing syndrome. Last evaluated: 2025-05-29. Review status: criteria provided, single submitter. Criteria: Ambry Variant Classification Scheme 2023. Collection method: clinical testing. Allele origin: germline. Not counted in ClinVar's aggregate classification.
Comment: The p.A2730P variant (also known as c.8188G>C), located in coding exon 17 of the BRCA2 gene, results from a G to C substitution at nucleotide position 8188. The alanine at codon 2730 is replaced by proline, an amino acid with highly similar properties. This alteration was identified in an individual diagnosed with breast cancer (Tung N et al. Cancer, 2015 Jan;121:25-33). This variant was non-functional in a homology-directed DNA repair (HDR) assay (Hart SN et al. Genet. Med., 2019 01;21:71-80; Richardson ME et al. Am J Hum Genet, 2021 03;108:458-468). A saturation genome editing-based study using a haploid cell-survival assay demonstrates that this nucleotide substitution is non-functional (Huang H et al. Nature. 2025 Feb;638(8050):528-537). Based on internal structural analysis, this alteration introduces a large physical change that will distort a local loop motif likely impacting DNA binding ability (Ambry internal data; Yang H et al. Science, 2002 Sep;297:1837-48; Crepin T et al. Structure, 2006 Oct;14:1511-25; Shahid T et al. Nat. Struct. Mol. Biol., 2014 Nov;21:962-8). This amino acid position is well conserved in available vertebrate species. In addition, this alteration is predicted to be deleterious by in silico analysis. Based on the majority of available evidence to date, this variant is likely to be pathogenic.

Quest Diagnostics Nichols Institute San Juan Capistrano
Classification: Likely pathogenic. Last evaluated: 2024-07-29. Review status: criteria provided, single submitter. Criteria: Quest Diagnostics criteria. Collection method: clinical testing. Allele origin: unknown. Not counted in ClinVar's aggregate classification.
Comment: The BRCA2 c.8188G>C (p.Ala2730Pro) variant has been reported in the published literature in individuals affected with breast cancer (PMID: 25186627 (2015)) and pancreatic cancer (PMIDs: 29398457 (2018), 32886903 (2020)). A functional study showed this variant has a deleterious effect on BRCA2 homology-directed DNA repair activity (PMIDs: 29884841 (2019), 33609447 (2021), 35736817 (2022)). The frequency of this variant in the general population, 0.000072 (3/41412 chromosomes (Genome Aggregation Database)), is consistent with pathogenicity. Analysis of this variant using bioinformatics tools for the prediction of the effect of amino acid changes on protein structure and function yielded predictions that this variant is damaging. Based on the available information, this variant is classified as likely pathogenic.

Baylor Genetics
Classification: Likely pathogenic for Familial cancer of breast. Last evaluated: 2024-02-06. Review status: criteria provided, single submitter. Criteria: ACMG Guidelines, 2015. Collection method: clinical testing. Allele origin: unknown. Not counted in ClinVar's aggregate classification.

Revvity Omics, Revvity
Classification: Likely pathogenic. Last evaluated: 2023-09-22. Review status: criteria provided, single submitter. Criteria: ACMG Guidelines, 2015. Collection method: clinical testing. Allele origin: germline. Not counted in ClinVar's aggregate classification.

NM_000059.4(BRCA2):c.8188G>C (p.Ala2730Pro)

Gene: BRCA2 (BRCA2 DNA repair associated; plus strand). Cytogenetic location: 13q13.1.
Variant type: single nucleotide variant.
Coding change: c.8188G>C on transcript NM_000059.4 (MANE Select); coding-DNA position 8188, G replaced by C.
Protein change: p.Ala2730Pro; replaces alanine 2730 with proline.
Molecular consequence: missense variant.
Genome position (GRCh38, 1-based): chr13:32,363,390, G>C. VCF-style: chr13-32363390-G-C. GRCh37 (hg19) VCF-style: chr13-32937527-G-C.
Other names: p.A2730P:GCC>CCC; NM_000059.4(BRCA2):c.8188G>C; short protein forms A2730P.
Identifiers: ClinVar variation 126168 (VCV000126168.38), dbSNP rs80359066, ClinGen allele CA025499.